The following is an entry in ClinVar:

NM_001177316.2(SLC34A3):c.1060G>A (p.Val354Met)

Gene: SLC34A3 (solute carrier family 34 member 3; plus strand). Cytogenetic location: 9q34.3.
Variant type: single nucleotide variant.
Coding change: c.1060G>A on transcript NM_001177316.2 (MANE Select); coding-DNA position 1060, G replaced by A.
Protein change: p.Val354Met; replaces valine 354 with methionine.
Molecular consequence: missense variant.
Genome position (GRCh38, 1-based): chr9:137,234,243, G>A. VCF-style: chr9-137234243-G-A. GRCh37 (hg19) VCF-style: chr9-140128695-G-A.
Other names: c.1060G>A, p.Val354Met (NM_001177317.2, NM_080877.3); c.1060G>A (NM_001177317.1); short protein forms V354M.
Identifiers: ClinVar variation 595537 (VCV000595537.11), dbSNP rs534880363, ClinGen allele CA5364749.

ClinVar aggregate classification (germline): Uncertain significance. Review status: criteria provided, multiple submitters, no conflicts (2 of 4 stars). 5 submissions from 5 submitters: Uncertain significance (5). Last evaluated 2025-02-03.

Conditions:
SLC34A3-related disorder. Also called: SLC34A3-related condition.
Autosomal recessive hypophosphatemic bone disease (HHRH). Also called: Hypophosphatemic rickets with hypercalciuria; HYPERCALCIURIC RICKETS. Identifiers: Orphanet 157215, MedGen C1853271, MONDO:0009431, OMIM 241530.

Allele frequency attached by ClinVar (database versions not stated): gnomAD 0.00005 and 0.00007; TOPMed 0.00006; 1000 Genomes Project 30x 0.00016; 1000 Genomes Project 0.00020; gnomAD exomes 0.00007 and 0.00012; ExAC 0.00013.

Submissions (5):

PreventionGenetics, part of Exact Sciences
Classification: Uncertain significance for SLC34A3-related condition. Last evaluated: 2025-02-03. Review status: criteria provided, single submitter. Criteria: ACMG Guidelines, 2015. Collection method: clinical testing. Allele origin: germline.
Comment: The SLC34A3 c.1060G>A variant is predicted to result in the amino acid substitution p.Val354Met. To our knowledge, this variant has not been reported in the literature. This variant is reported in 0.076% of alleles in individuals of South Asian descent in gnomAD. Although we suspect that this variant may be benign, at this time, the clinical significance of this variant is uncertain due to the absence of conclusive functional and genetic evidence.

Labcorp Genetics (formerly Invitae), Labcorp
Classification: Uncertain significance. Last evaluated: 2022-03-29. Review status: criteria provided, single submitter. Criteria: Invitae Variant Classification Sherloc (09022015). Collection method: clinical testing. Allele origin: germline.
Comment: In summary, the available evidence is currently insufficient to determine the role of this variant in disease. Therefore, it has been classified as a Variant of Uncertain Significance. Algorithms developed to predict the effect of missense changes on protein structure and function are either unavailable or do not agree on the potential impact of this missense change (SIFT: "Tolerated"; PolyPhen-2: "Possibly Damaging"; Align-GVGD: "Class C0"). ClinVar contains an entry for this variant (Variation ID: 595537). This variant has not been reported in the literature in individuals affected with SLC34A3-related conditions. This variant is present in population databases (rs534880363, gnomAD 0.08%). This sequence change replaces valine, which is neutral and non-polar, with methionine, which is neutral and non-polar, at codon 354 of the SLC34A3 protein (p.Val354Met).

Fulgent Genetics
Classification: Uncertain significance for Autosomal recessive hypophosphatemic bone disease. Last evaluated: 2022-03-25. Review status: criteria provided, single submitter. Criteria: ACMG Guidelines, 2015. Collection method: clinical testing. Allele origin: unknown.

Eurofins Ntd Llc (ga)
Classification: Uncertain significance. Last evaluated: 2018-01-02. Review status: criteria provided, single submitter. Criteria: EGL Classification Definitions 2015. Collection method: clinical testing. Allele origin: germline. Observed: 1 variant allele, 1 heterozygote.

Neuberg Centre For Genomic Medicine, NCGM
Classification: Uncertain significance for Autosomal recessive hypophosphatemic bone disease. Review status: criteria provided, single submitter. Criteria: ACMG Guidelines, 2015. Collection method: clinical testing. Allele origin: germline. Inheritance: Autosomal recessive inheritance. Affected: yes.
Comment: The missense variant c.1060G>A (p.Val354Met) in SLC34A3 has not been reported previously as a pathogenic variant nor as a benign variant, to our knowledge. This variant has been reported to the ClinVar database as Uncertain Significance. The p.Val354Met variant is novel (not in any individuals) in 1000 Genomes and allele frequency of 0.01232% is reported in gnomAD. The amino acid Val at position 354 is changed to a Met changing protein sequence and it might alter its composition and physico-chemical properties. The variant is predicted to be damaging by both SIFT and PolyPhen2. The residue is variable across species. The amino acid change p.Val354Met in SLC34A3 is predicted as conserved by PhyloP across 100 vertebrates. For these reasons, this variant has been classified as Uncertain Significance. In the absence of another reportable variant the molecular diagnosis is not confirmed.